The following is an entry in ClinVar:

NM_003242.6(TGFBR2):c.1120C>T (p.Pro374Ser)

Gene: TGFBR2 (transforming growth factor beta receptor 2; plus strand). Cytogenetic location: 3p24.1.
Variant type: single nucleotide variant.
Coding change: c.1120C>T on transcript NM_003242.6 (MANE Select); coding-DNA position 1120, C replaced by T.
Protein change: p.Pro374Ser; replaces proline 374 with serine.
Molecular consequence: missense variant.
Genome position (GRCh38, 1-based): chr3:30,672,303, C>T. VCF-style: chr3-30672303-C-T. GRCh37 (hg19) VCF-style: chr3-30713795-C-T.
Other names: p.P374S:CCC>TCC; c.1123C>T, p.Pro375Ser (NM_001407129.1); c.1120C>T, p.Pro374Ser (NM_001407130.1); c.1015C>T, p.Pro339Ser (NM_001407132.1, NM_001407133.1, NM_001407134.1 and 2 more transcripts); c.835C>T, p.Pro279Ser (NM_001407137.1); c.760C>T, p.Pro254Ser (NM_001407138.1); c.1195C>T, p.Pro399Ser (NM_001024847.3); c.1303C>T, p.Pro435Ser (NM_001407126.1); and 2 more; short protein forms P374S, P399S, P383S, P375S, P435S, P279S, P410S, P254S.
Identifiers: ClinVar variation 213922 (VCV000213922.5), dbSNP rs863223843, ClinGen allele CA320627.

ClinVar aggregate classification (germline): Conflicting classifications of pathogenicity. Review status: criteria provided, conflicting classifications (1 of 4 stars). 3 submissions from 3 submitters: Likely pathogenic (1); Uncertain significance (2). Last evaluated 2023-06-08.

Conditions:
Familial thoracic aortic aneurysm and aortic dissection (TAAD). Also called: Thoracic aortic aneurysms and dissections. Identifiers: Orphanet 91387, MedGen C4707243, MONDO:0019625.
Loeys-Dietz syndrome 2 (LDS2). Also called: TGFBR2-Related Loeys-Dietz Syndrome; Marfan Syndrome type 2; Marfan like connective tissue disorder; MFS 2; Marfan syndrome, type 2 (formerly); AORTIC ANEURYSM, FAMILIAL THORACIC 3. Identifiers: Orphanet 284973, Orphanet 558, MedGen C2674574, MONDO:0012427, OMIM 610168.

gnomAD v4.1: 5 of 1,607,820 alleles (0.00031%); highest among the groups gnomAD compares: Non-Finnish European, 0.00026%; no homozygotes.

Submissions (3):

All of Us Research Program, National Institutes of Health
Classification: Uncertain significance for Loeys-Dietz syndrome 2. Last evaluated: 2023-06-08. Review status: criteria provided, single submitter. Criteria: ACMG Guidelines, 2015. Collection method: clinical testing. Allele origin: germline. Inheritance: Autosomal dominant inheritance. Observed: 1 variant allele, 1 heterozygote.
Comment: This missense variant replaces proline with serine at codon 374 of the TGFBR2 protein. Computational prediction is inconclusive regarding the impact of this variant on protein structure and function (internally defined REVEL score threshold 0.5 < inconclusive < 0.7, PMID: 27666373). To our knowledge, functional studies have not been reported for this variant. This variant has not been reported in individuals affected with TGFBR2-related disorders in the literature. This variant has not been identified in the general population by the Genome Aggregation Database (gnomAD). The available evidence is insufficient to determine the role of this variant in disease conclusively. Therefore, this variant is classified as a Variant of Uncertain Significance.

This study involves interpretation of variants in research participants for the purpose of population health screening. Participant phenotype was not available at the time of variant classification. Additional details can be found in publication PMID: 35346344, PMCID: PMC8962531

CHEO Genetics Diagnostic Laboratory, Children's Hospital of Eastern Ontario
Classification: Uncertain significance for Familial thoracic aortic aneurysm and aortic dissection. Last evaluated: 2023-05-11. Review status: criteria provided, single submitter. Criteria: ACMG Guidelines, 2015. Collection method: clinical testing. Allele origin: germline.

GeneDx
Classification: Likely pathogenic. Last evaluated: 2015-01-02. Review status: criteria provided, single submitter. Criteria: GeneDx Variant Classification (06012015). Collection method: clinical testing. Allele origin: germline. Affected: yes.
Comment: A P374S variant that is likely pathogenic was identified in the TGFBR2 gene. It has not been published as a mutation, nor has it been reported as a benign polymorphism to our knowledge. The P374S variant was not observed in approximately 6,500 individuals of European and African American ancestry in the NHLBI Exome Sequencing Project, indicating it is not a common benign variant in these populations. The P374S variant is a non-conservative amino acid substitution, which is likely to impact secondary protein structure as these residues differ in polarity, charge, size and/or other properties. This substitution occurs at a position that is conserved across species. In silico analysis predicts this variant is probably damaging to the protein structure/function. Moreover, missense mutations in nearby residues (K372R, V376M, H377R, R378G, D379V) have been reported in association with Loeys-Dietz syndrome or Marfan II, supporting the functional importance of this region of the protein. Therefore, this variant is a strong candidate for a pathogenic mutation, however the possibility that it is a benign variant cannot be excluded. This variant was found in TAADV2-1,TGFBR2